The following is an entry in ClinVar:

ClinVar aggregate classification (germline): Uncertain significance (1 of 4 stars; one submission).

Conditions:
Charcot-Marie-Tooth disease axonal type 2S. Also called: CHARCOT-MARIE-TOOTH NEUROPATHY, TYPE 2S; CHARCOT-MARIE-TOOTH DISEASE, AXONAL, AUTOSOMAL RECESSIVE, TYPE 2S. Identifiers: Orphanet 443073, MedGen C4015349, MONDO:0014511, OMIM 616155.
Autosomal recessive distal spinal muscular atrophy 1. Also called: NEURONOPATHY, SEVERE INFANTILE AXONAL, WITH RESPIRATORY FAILURE; SEVERE INFANTILE AXONAL NEUROPATHY WITH RESPIRATORY FAILURE; SPINAL MUSCULAR ATROPHY, DIAPHRAGMATIC; Spinal muscular atrophy with respiratory distress 1; NEURONOPATHY, DISTAL HEREDITARY MOTOR, HARDING TYPE VI; NEUROPATHY, DISTAL HEREDITARY MOTOR, AUTOSOMAL RECESSIVE 1. Identifiers: Orphanet 98920, MedGen C1858517, MONDO:0011436, OMIM 604320.

Submission:

Labcorp Genetics (formerly Invitae), Labcorp
Classification: Uncertain significance for Autosomal recessive distal spinal muscular atrophy 1; Charcot-Marie-Tooth disease axonal type 2S. Last evaluated: 2022-08-09. Review status: criteria provided, single submitter. Criteria: Invitae Variant Classification Sherloc (09022015). Collection method: clinical testing. Allele origin: germline.
Comment: This variant has not been reported in the literature in individuals affected with IGHMBP2-related conditions. In summary, the available evidence is currently insufficient to determine the role of this variant in disease. Therefore, it has been classified as a Variant of Uncertain Significance. Advanced modeling of protein sequence and biophysical properties (such as structural, functional, and spatial information, amino acid conservation, physicochemical variation, residue mobility, and thermodynamic stability) performed at Invitae indicates that this missense variant is not expected to disrupt IGHMBP2 protein function. ClinVar contains an entry for this variant (Variation ID: 1447454). This variant is not present in population databases (gnomAD no frequency). This sequence change replaces glutamic acid, which is acidic and polar, with aspartic acid, which is acidic and polar, at codon 681 of the IGHMBP2 protein (p.Glu681Asp).

NM_002180.3(IGHMBP2):c.2043G>C (p.Glu681Asp)

Gene: IGHMBP2 (immunoglobulin mu DNA binding protein 2; plus strand). Cytogenetic location: 11q13.3.
Variant type: single nucleotide variant.
Coding change: c.2043G>C on transcript NM_002180.3 (MANE Select); coding-DNA position 2043, G replaced by C.
Protein change: p.Glu681Asp; replaces glutamic acid 681 with aspartic acid.
Molecular consequence: missense variant.
Genome position (GRCh38, 1-based): chr11:68,936,523, G>C. VCF-style: chr11-68936523-G-C. GRCh37 (hg19) VCF-style: chr11-68703991-G-C.
Other names: short protein forms E681D.
Identifiers: ClinVar variation 1447454 (VCV001447454.6), dbSNP rs1859535346, ClinGen allele CA381652690.